The following is an entry in ClinVar:

NM_000038.6(APC):c.1042C>T (p.Arg348Ter)

Gene: APC (APC regulator of Wnt signaling pathway; plus strand). Cytogenetic location: 5q22.2.
Variant type: single nucleotide variant.
Coding change: c.1042C>T on transcript NM_000038.6 (MANE Select); coding-DNA position 1042, C replaced by T.
Protein change: p.Arg348Ter; replaces arginine 348 with a stop codon.
Molecular consequence: nonsense. On other transcripts: intron variant (4).
Genome position (GRCh38, 1-based): chr5:112,819,074, C>T. VCF-style: chr5-112819074-C-T. GRCh37 (hg19) VCF-style: chr5-112154771-C-T.
Other names: NM_000038.6(APC):c.1042C>T; p.Arg348Ter; c.1042C>T, p.Arg348Ter (NM_001127510.3, NM_001354895.2, NM_001354896.2); c.988C>T, p.Arg330Ter (NM_001127511.3); c.1072C>T, p.Arg358Ter (NM_001354897.2); c.967C>T, p.Arg323Ter (NM_001354898.2); c.958C>T, p.Arg320Ter (NM_001354899.2); c.865C>T, p.Arg289Ter (NM_001354900.2, NM_001354901.2); and 5 more; short protein forms R330*, R289*, R320*, R323*, R358*, R65*, R348*.
Identifiers: ClinVar variation 955439 (VCV000955439.33), dbSNP rs1314843920, ClinGen allele CA16021325.

ClinVar aggregate classification (germline): Uncertain significance. Review status: reviewed by expert panel (3 of 4 stars). 7 submissions from 7 submitters: Uncertain significance (1). 6 of the submissions do not count toward it. Last evaluated 2025-05-16.

Conditions:
Familial adenomatous polyposis 1 (FAP1). Also called: FAMILIAL ADENOMATOUS POLYPOSIS 1, ATTENUATED; POLYPOSIS, ADENOMATOUS INTESTINAL. Identifiers: MedGen C2713442, MONDO:0021056, OMIM 175100. Disease mechanism: loss of function.
Classic or attenuated familial adenomatous polyposis. Identifiers: MedGen CN372698, MONDO:0021057.
Gastric cancer. Also called: Stomach cancer; Malignant tumor of stomach. Identifiers: MedGen C0024623, MeSH D013274, MONDO:0001056, OMIM 613659, HP:0012126.
Hereditary cancer-predisposing syndrome. Also called: Hereditary neoplastic syndrome; Neoplastic Syndromes, Hereditary; Hereditary Cancer Syndrome; Tumor predisposition. Identifiers: Orphanet 140162, MedGen C0027672, MeSH D009386, MONDO:0015356.

Allele frequency attached by ClinVar (database versions not stated): gnomAD exomes below 0.00001.
gnomAD v4.1: 3 of 1,614,088 alleles (0.00019%); highest among the groups gnomAD compares: Non-Finnish European, 0.000085%; no homozygotes.

Submissions (7):

ClinGen InSiGHT Hereditary Colorectal Cancer/Polyposis Variant Curation Expert Panel
Classification: Uncertain significance for Familial adenomatous polyposis 1. Last evaluated: 2025-05-16. Review status: reviewed by expert panel. Criteria: ClinGen InSiGHT HCCP VCEP ACMG Specifications APC V1. Collection method: curation. Allele origin: germline. Inheritance: Autosomal dominant inheritance.
Comment: The NM_000038.6(APC):c.1042C>T variant in APC is predicted to cause a premature stop codon (p.R348Ter) located between codon 49 and 2645 in biologically relevant exon 10 (coding exon 9) in a gene in which loss-of-function is an established disease mechanism. However, based on unpublished RNA analyses from Ambry Genetics, the ClinGen InSiGHT Hereditary Colorectal Cancer/Polyposis VCEP (HCCP VCEP) does not consider this variant to be applicable to PVS1. The RNA analyses showed that this variant results in an in-frame aberrant transcript lacking part of exon 10 [r.934_1074del (p.V312_Q358del)]. In addition, an increased expression of a naturally occurring alternative transcript (r.934_1236del (p.V312_Q412del), known as “exon 9a”) was observed relative to controls. The predicted premature stop codon (p.R348Ter) was excluded from both the aberrant and naturally occurring transcripts and might provide a rescue mechanism for this nonsense alteration. The total minor allele frequency in gnomAD v2.1.1 (non-cancer) is 0.000004 (1/251004 alleles), which is lower than the HCCP VCEP threshold 0.00001 for PM2_Supporting if the allele count is ≤ 1 and therefore meets this criterion (PM2_Supporting). This variant has been reported in three families with a polyposis phenotype, resulting in a total phenotype score of 1.5 points (PS4_Supporting, [PMID: 11754114 and 12007223; CanVIG-UK]). On the other hand, this variant has been observed in heterozygous state in 7 healthy unrelated adult individuals worth ≥ 6 healthy individual points in total (BS2_Supporting; [Ambry Genetics, Invitae, UK Biobank, 100,000 Genomes Project]). Due to conflicting evidence, this variant is classified as a variant of uncertain significance (VUS) for autosomal-dominant inherited FAP based on the ACMG/AMP criteria applied, as specified by the HCCP VCEP: criteria PS4_Supporting, PM2_Supporting and BS2_Supporting applied (VCEP specifications version 2.0.3; date of approval 7/24/2023).

Color Diagnostics, LLC DBA Color Health
Classification: Uncertain significance for Hereditary cancer-predisposing syndrome. Last evaluated: 2025-10-01. Review status: criteria provided, single submitter. Criteria: ACMG Guidelines, 2015. Collection method: clinical testing. Allele origin: germline. Not counted in ClinVar's aggregate classification.
Comment: This variant changes 1 nucleotide in exon 10 of the APC gene, creating a premature translation stop signal and would be expected to result in an absent or non-functional protein product. However splice prediction tools suggest that this variant may impact RNA splicing by weakening the intron 9 splice acceptor site and activating a cryptic acceptor in exon 10. This prediction is supported by RNA studies showing this variant results in an in-frame deletion transcript lacking part of exon 10 [r.934_1074del (p.V312_Q358del)] (External laboratory communicationClinVar: SCV002706745.3). This transcript, in conjunction with the presence of a naturally occurring alternative transcript also skipping part of exon 10, allow for the avoidance of this truncation variant and may enable evasion of nonsense mediated decay (PMID: 9603437). This variant has been reported in individuals affected with familial polyposis in the literature (PMID: 9603437, 11754114 12007223). However the variant has also been reported in unaffected individuals (ClinVar: SCV006083201.1). This variant has been identified in 3/1461824 chromosomes in the general population by the Genome Aggregation Database (gnomAD). The available evidence is insufficient to determine the role of this variant in disease conclusively. Therefore, this variant is classified as a Variant of Uncertain Significance.

Ambry Genetics
Classification: Uncertain significance for Hereditary cancer-predisposing syndrome. Last evaluated: 2025-07-29. Review status: criteria provided, single submitter. Criteria: Ambry Variant Classification Scheme 2023. Collection method: clinical testing. Allele origin: germline. Not counted in ClinVar's aggregate classification.
Comment: The p.R348* alteration (also known as c.1042C>T), located in coding exon 9 of the APC gene, results from a C to T substitution at nucleotide position 1042. This changes the amino acid from an arginine to a stop codon within coding exon 9. This alteration has been reported in two FAP cohorts, however both reported individuals were Israeli and it cannot be discerned if they are related (Davidson S et al. Hum Mutat, 2002 Jan;19:83-4; Gavert N et al. Hum Mutat, 2002 Jun;19:664). In one family, two siblings (one affected, one with unknown phenotype) also carried an unspecified deletion in APC in cis; this deletion was inherited from an affected parent who was demonstrated to be a mosaic carrier (Davidson S et al. Hum Mutat, 2002 Jan;19:83-4). In silico splice site analysis for this alteration is inconclusive. RNA studies have demonstrated that this alteration results in a transcript predicted to lead to a protein with an in-frame deletion of 47 amino acids which removes this alteration; however, the exact functional impact of the deleted amino acids is unknown at this time (Ambry internal data). Since supporting evidence is conflicting at this time, the clinical significance of this alteration remains unclear.

Labcorp Genetics (formerly Invitae), Labcorp
Classification: Uncertain significance for Familial adenomatous polyposis 1. Last evaluated: 2025-02-19. Review status: criteria provided, single submitter. Criteria: Invitae Variant Classification Sherloc (09022015). Collection method: clinical testing. Allele origin: germline. Not counted in ClinVar's aggregate classification.
Comment: This sequence change creates a premature translational stop signal (p.Arg348*) in the APC gene. RNA analysis indicates that this premature translational stop signal induces altered splicing and likely results in the loss of 47 amino acid residue(s), but is expected to preserve the integrity of the reading-frame. This variant is not present in population databases (gnomAD no frequency). This premature translational stop signal has been observed in individual(s) with clinical features of familial adenomatous polyposis . However, this variant has been observed to co-occur in individuals with a different variant in APC, but the nomenclature of variant, phase and the significance of this finding is unclear. (PMID: 11754114, 12007223). ClinVar contains an entry for this variant (Variation ID: 955439). Studies have shown that this premature translational stop signal results in the activation of a cryptic splice site in exon 10. Also, it is associated with skipping of exon 10 and partial skipping of exon 10, but the resulting mRNA isoform(s) may be naturally occurring (external communication). In summary, the available evidence is currently insufficient to determine the role of this variant in disease. Therefore, it has been classified as a Variant of Uncertain Significance.

All of Us Research Program, National Institutes of Health
Classification: Likely pathogenic for Classic or attenuated familial adenomatous polyposis. Last evaluated: 2024-07-29. Review status: criteria provided, single submitter. Criteria: ACMG Guidelines, 2015. Collection method: clinical testing. Allele origin: germline. Inheritance: Autosomal dominant inheritance. Observed: 1 variant allele, 1 heterozygote. Not counted in ClinVar's aggregate classification.
Comment: This variant changes 1 nucleotide in exon 10 of the APC gene, creating a premature translation stop signal. This variant is expected to result in an absent or non-functional protein product. However, unpublished RNA studies have reported that a splicing impact is observed (communication with Ambry Genetics) and leads to an in-frame deletion in exon 10. The in-frame partial exon 10 deletion is predicted to remove the codon p.Arg348 where the stop gain takes place, thus allowing the shortened protein to be expressed without undergoing NMD. Furthermore, an alternative transcript with a larger in-frame deletion in exon 10, encompassing this smaller in-frame deletion, has been reported to be naturally occurring, and variants in this exon are described to be associated with attenuated familial adenomatous polyposis (AFAP) phenotype (PMID: 16461775). Out-of-frame truncation variants in this region, including those C-terminal to this variant, have been classified as deleterious with clinical supporting evidence available (ClinVar ID: 184937, 217918, 216010). The APC c.1042C>T, p.Arg348* variant has been reported in two families from Israel affected with familial adenomatous polyposis (PMID: 11754114, 12007223). In one family, the variant co-occurred in cis (located on the same chromosome) with another large deletion in APC that was described as mosaic in the affected parent (PMID: 11754114). This variant has been identified in 1/251004 chromosomes in the general population by the Genome Aggregation Database (gnomAD). Loss of APC function is a known mechanism of disease. Based on the available evidence, this variant is likely to be associated with an attenuated APC phenotype and is classified as Likely Pathogenic.

This study involves interpretation of variants in research participants for the purpose of population health screening. Participant phenotype was not available at the time of variant classification. Additional details can be found in publication PMID: 35346344, PMCID: PMC8962531

Myriad Genetics, Inc.
Classification: Pathogenic for Familial adenomatous polyposis 1. Last evaluated: 2023-04-28. Review status: criteria provided, single submitter. Criteria: Myriad Autosomal Dominant, Autosomal Recessive and X-Linked Classification Criteria (2023). Collection method: clinical testing. Allele origin: unknown. Not counted in ClinVar's aggregate classification.
Comment: This variant is considered pathogenic. This variant creates a termination codon and is predicted to result in premature protein truncation.

Laboratory for Genotyping Development, RIKEN
Classification: Pathogenic for Gastric cancer. Last evaluated: 2021-07-01. Review status: no assertion criteria provided. Collection method: research. Allele origin: germline. Not counted in ClinVar's aggregate classification.

Literature cited by the submitters: PubMed 9603437 (cited by Color Diagnostics, LLC DBA Color Health); PubMed 11754114 (cited by 4 submitters); PubMed 12007223 (cited by 4 submitters); PubMed 16461775 (cited by Ambry Genetics and All of Us Research Program, National Institutes of Health); PubMed 29754767 (cited by Ambry Genetics); PubMed 30287922 (cited by Ambry Genetics); PubMed 36988593 (cited by Laboratory for Genotyping Development, RIKEN).